The following is an entry in ClinVar:

ClinVar aggregate classification (germline): Uncertain significance (1 of 4 stars; one submission).

Submission:

Women's Health and Genetics/Laboratory Corporation of America, LabCorp
Classification: Uncertain significance. Last evaluated: 2025-05-21. Review status: criteria provided, single submitter. Criteria: LabCorp Variant Classification Summary - May 2015. Collection method: clinical testing. Allele origin: germline.
Comment: Variant summary: AMT c.217C>A (p.Arg73Ser) results in a non-conservative amino acid change in the encoded protein sequence. Algorithms developed to predict the effect of missense changes on protein structure and function all suggest that this variant is likely to be disruptive. The variant was absent in 251240 control chromosomes. The available data on variant occurrences in the general population are insufficient to allow any conclusion about variant significance. To our knowledge, no occurrence of c.217C>A in individuals affected with Glycine Encephalopathy (Non-Ketotic Hyperglycinemia) and no experimental evidence demonstrating its impact on protein function have been reported. No submitters have cited clinical-significance assessments for this variant to ClinVar. Based on the evidence outlined above, the variant was classified as uncertain significance.

NM_000481.4(AMT):c.217C>A (p.Arg73Ser)

Gene: AMT (aminomethyltransferase; minus strand). Cytogenetic location: 3p21.31.
Variant type: single nucleotide variant.
Coding change: c.217C>A on transcript NM_000481.4 (MANE Select); coding-DNA position 217, C replaced by A.
Protein change: p.Arg73Ser; replaces arginine 73 with serine.
Molecular consequence: missense variant. On other transcripts: non-coding transcript variant (1), intron variant (1).
Genome position (GRCh38, 1-based): chr3:49,422,145, G>T on the plus strand (C>A on the coding strand, the complement: AMT is on the minus strand). VCF-style: chr3-49422145-G-T. GRCh37 (hg19) VCF-style: chr3-49459578-G-T.
Other names: c.217C>A, p.Arg73Ser (NM_001164710.2, NM_001164712.2); c.90+216C>A (NM_001164711.2); short protein forms R73S.
Identifiers: ClinVar variation 3902767 (VCV003902767.1).